The following is an entry in ClinVar:

NM_000535.7(PMS2):c.772A>G (p.Ser258Gly)

Gene: PMS2 (PMS1 homolog 2, mismatch repair system component; minus strand). Cytogenetic location: 7p22.1.
Variant type: single nucleotide variant.
Coding change: c.772A>G on transcript NM_000535.7 (MANE Select); coding-DNA position 772, A replaced by G.
Protein change: p.Ser258Gly; replaces serine 258 with glycine.
Molecular consequence: missense variant. On other transcripts: 5 prime UTR variant (2), non-coding transcript variant (1).
Genome position (GRCh38, 1-based): chr7:5,997,357, T>C on the plus strand (A>G on the coding strand, the complement: PMS2 is on the minus strand). VCF-style: chr7-5997357-T-C. GRCh37 (hg19) VCF-style: chr7-6036988-T-C.
Other names: c.367A>G, p.Ser123Gly (NM_001322003.2, NM_001322004.2, NM_001322005.2 and 2 more transcripts); c.772A>G, p.Ser258Gly (NM_001322006.2, NM_001322014.2); c.454A>G, p.Ser152Gly (NM_001322007.2, NM_001322008.2); c.-162A>G (NM_001322011.2, NM_001322012.2); c.199A>G, p.Ser67Gly (NM_001322013.2); c.463A>G, p.Ser155Gly (NM_001322015.2); short protein forms S123G, S258G, S67G, S155G, S152G.
Identifiers: ClinVar variation 1396512 (VCV001396512.8), dbSNP rs2128787031, ClinGen allele CA366743667.

ClinVar aggregate classification (germline): Uncertain significance (1 of 4 stars; one submission).

Conditions:
Hereditary nonpolyposis colorectal neoplasms. Identifiers: MedGen C0009405, MeSH D003123.

Submission:

Labcorp Genetics (formerly Invitae), Labcorp
Classification: Uncertain significance for Hereditary nonpolyposis colorectal neoplasms. Last evaluated: 2021-05-31. Review status: criteria provided, single submitter. Criteria: Invitae Variant Classification Sherloc (09022015). Collection method: clinical testing. Allele origin: germline.
Comment: This sequence change replaces serine with glycine at codon 258 of the PMS2 protein (p.Ser258Gly). The serine residue is weakly conserved and there is a small physicochemical difference between serine and glycine. This variant is not present in population databases (ExAC no frequency). This variant has not been reported in the literature in individuals with PMS2-related conditions. Advanced modeling of protein sequence and biophysical properties (such as structural, functional, and spatial information, amino acid conservation, physicochemical variation, residue mobility, and thermodynamic stability) performed at Invitae indicates that this missense variant is not expected to disrupt PMS2 protein function. In summary, the available evidence is currently insufficient to determine the role of this variant in disease. Therefore, it has been classified as a Variant of Uncertain Significance.